The following is an entry in ClinVar:

NM_000414.4(HSD17B4):c.1804T>C (p.Tyr602His)

Gene: HSD17B4 (hydroxysteroid 17-beta dehydrogenase 4; plus strand). Cytogenetic location: 5q23.1.
Variant type: single nucleotide variant.
Coding change: c.1804T>C on transcript NM_000414.4 (MANE Select); coding-DNA position 1804, T replaced by C.
Protein change: p.Tyr602His; replaces tyrosine 602 with histidine.
Molecular consequence: missense variant. On other transcripts: non-coding transcript variant (2).
Genome position (GRCh38, 1-based): chr5:119,529,930, T>C. VCF-style: chr5-119529930-T-C. GRCh37 (hg19) VCF-style: chr5-118865625-T-C.
Other names: c.1879T>C, p.Tyr627His (NM_001199291.3); c.1750T>C, p.Tyr584His (NM_001199292.2); c.1732T>C, p.Tyr578His (NM_001292027.2, NM_001374498.1); c.1384T>C, p.Tyr462His (NM_001292028.2); c.1795T>C, p.Tyr599His (NM_001374497.1); c.1477T>C, p.Tyr493His (NM_001374499.1); c.1363T>C, p.Tyr455His (NM_001374500.1); c.1393T>C, p.Tyr465His (NM_001374501.1, NM_001374502.1, NM_001374503.1); short protein forms Y455H, Y602H, Y627H, Y462H, Y493H, Y578H, Y599H, Y584H.
Identifiers: ClinVar variation 2166843 (VCV002166843.4), dbSNP rs376159810, ClinGen allele CA125858156.

ClinVar aggregate classification (germline): Uncertain significance (1 of 4 stars; one submission).

Conditions:
Bifunctional peroxisomal enzyme deficiency (DBIF). Also called: DBP DEFICIENCY; PBFE DEFICIENCY; D-bifunctional protein deficiency. Identifiers: Orphanet 300, MedGen C0342870, MONDO:0009855, OMIM 261515. Disease mechanism: loss of function.
Perrault syndrome. Also called: Gonadal dysgenesis with auditory dysfunction, autosomal recessive inheritance. Identifiers: Orphanet 2855, MedGen C0685838, MONDO:0017312.

Allele frequency attached by ClinVar (database versions not stated): gnomAD exomes below 0.00001.
gnomAD v4.1: 6 of 1,610,518 alleles (0.00037%); highest among the groups gnomAD compares: African/African-American, 0.004%; no homozygotes.

Submission:

Labcorp Genetics (formerly Invitae), Labcorp
Classification: Uncertain significance for Perrault syndrome; Bifunctional peroxisomal enzyme deficiency. Last evaluated: 2024-02-25. Review status: criteria provided, single submitter. Criteria: Invitae Variant Classification Sherloc (09022015). Collection method: clinical testing. Allele origin: germline.
Comment: This sequence change replaces tyrosine, which is neutral and polar, with histidine, which is basic and polar, at codon 602 of the HSD17B4 protein (p.Tyr602His). This variant is not present in population databases (gnomAD no frequency). This variant has not been reported in the literature in individuals affected with HSD17B4-related conditions. ClinVar contains an entry for this variant (Variation ID: 2166843). Advanced modeling of protein sequence and biophysical properties (such as structural, functional, and spatial information, amino acid conservation, physicochemical variation, residue mobility, and thermodynamic stability) has been performed at Invitae for this missense variant, however the output from this modeling did not meet the statistical confidence thresholds required to predict the impact of this variant on HSD17B4 protein function. In summary, the available evidence is currently insufficient to determine the role of this variant in disease. Therefore, it has been classified as a Variant of Uncertain Significance.